The following is an entry in ClinVar:

ClinVar aggregate classification (germline): Uncertain significance (1 of 4 stars; one submission).

Conditions:
Cardiovascular phenotype. Identifiers: MedGen CN230736.

Submission:

Ambry Genetics
Classification: Uncertain significance for Cardiovascular phenotype. Last evaluated: 2022-07-19. Review status: criteria provided, single submitter. Criteria: Ambry Variant Classification Scheme 2023. Collection method: clinical testing. Allele origin: germline.
Comment: The p.V474L variant (also known as c.1420G>T), located in coding exon 11 of the KCNQ1 gene, results from a G to T substitution at nucleotide position 1420. The valine at codon 474 is replaced by leucine, an amino acid with highly similar properties. This amino acid position is highly conserved in available vertebrate species. In addition, this alteration is predicted to be deleterious by in silico analysis. Since supporting evidence is limited at this time, the clinical significance of this alteration remains unclear.

NM_000218.3(KCNQ1):c.1420G>T (p.Val474Leu)

Genes: KCNQ1 (potassium voltage-gated channel subfamily Q member 1; plus strand), KCNQ1OT1 (KCNQ1 opposite strand/antisense transcript 1; minus strand). Cytogenetic location: 11p15.5.
Variant type: single nucleotide variant.
Coding change: c.1420G>T on transcript NM_000218.3 (MANE Select); coding-DNA position 1420, G replaced by T.
Protein change: p.Val474Leu; replaces valine 474 with leucine.
Molecular consequence: missense variant.
Genome position (GRCh38, 1-based): chr11:2,661,987, G>T. VCF-style: chr11-2661987-G-T. GRCh37 (hg19) VCF-style: chr11-2683217-G-T.
Other names: c.1324G>T, p.Val442Leu (NM_001406836.1); c.1150G>T, p.Val384Leu (NM_001406837.1); c.880G>T, p.Val294Leu (NM_001406838.1); c.1039G>T, p.Val347Leu (NM_181798.2); short protein forms V384L, V442L, V294L, V347L, V474L.
Identifiers: ClinVar variation 1772259 (VCV001772259.2), dbSNP rs2493869846, ClinGen allele CA379479432.
Genomic context (GRCh38, chr11:2,661,987, plus strand): 5'-GGCCTAACGTGCTGTCCCCACACTTTCTCCTCAGTAAGGAAGAGCCCAACACTGCTGGAA[G>T]TGAGCATGCCCCATTTCATGAGAACCAACAGCTTCGCCGAGGACCTGGACCTGGAAGGGG-3'
Protein context (NP_000209.2, residues 464-484): SVRKSPTLLE[Val474Leu]SMPHFMRTNS